The following is an entry in ClinVar:

ClinVar aggregate classification (germline): Uncertain significance (1 of 4 stars; one submission).

Conditions:
Familial thoracic aortic aneurysm and aortic dissection (TAAD). Also called: Thoracic aortic aneurysms and dissections. Identifiers: Orphanet 91387, MedGen C4707243, MONDO:0019625.

Allele frequency attached by ClinVar (database versions not stated): gnomAD exomes below 0.00001.
gnomAD v4.1: 1 of 1,613,066 alleles (0.000062%); highest among the groups gnomAD compares: Non-Finnish European, 0.000085%; no homozygotes.

Submission:

Color Diagnostics, LLC DBA Color Health
Classification: Uncertain significance for Familial thoracic aortic aneurysm and aortic dissection. Last evaluated: 2024-03-06. Review status: criteria provided, single submitter. Criteria: ACMG Guidelines, 2015. Collection method: clinical testing. Allele origin: germline.
Comment: This missense variant replaces alanine with proline at codon 165 of the COL3A1 protein. Computational prediction suggests that this variant may not impact protein structure and function (internally defined REVEL score threshold <= 0.5, PMID: 27666373). To our knowledge, functional studies have not been reported for this variant. This variant has not been reported in individuals affected with cardiovascular disorders in the literature. This variant has not been identified in the general population by the Genome Aggregation Database (gnomAD). The available evidence is insufficient to determine the role of this variant in disease conclusively. Therefore, this variant is classified as a Variant of Uncertain Significance.

NM_000090.4(COL3A1):c.493G>C (p.Ala165Pro)

Gene: COL3A1 (collagen type III alpha 1 chain; plus strand). Cytogenetic location: 2q32.2.
Variant type: single nucleotide variant.
Coding change: c.493G>C on transcript NM_000090.4 (MANE Select); coding-DNA position 493, G replaced by C.
Protein change: p.Ala165Pro; replaces alanine 165 with proline.
Molecular consequence: missense variant.
Genome position (GRCh38, 1-based): chr2:188,987,104, G>C. VCF-style: chr2-188987104-G-C. GRCh37 (hg19) VCF-style: chr2-189851830-G-C.
Other names: short protein forms A165P.
Identifiers: ClinVar variation 2775086 (VCV002775086.2), dbSNP rs2469111469, ClinGen allele CA349848130.